The following is an entry in ClinVar:

NM_182914.3(SYNE2):c.3416C>T (p.Ser1139Phe)

Gene: SYNE2 (spectrin repeat containing nuclear envelope protein 2; plus strand). Cytogenetic location: 14q23.2.
Variant type: single nucleotide variant.
Coding change: c.3416C>T on transcript NM_182914.3 (MANE Select); coding-DNA position 3416, C replaced by T.
Protein change: p.Ser1139Phe; replaces serine 1139 with phenylalanine.
Molecular consequence: missense variant.
Genome position (GRCh38, 1-based): chr14:63,998,976, C>T. VCF-style: chr14-63998976-C-T. GRCh37 (hg19) VCF-style: chr14-64465694-C-T.
Other names: c.3416C>T, p.Ser1139Phe (NM_015180.6); short protein forms S1139F.
Identifiers: ClinVar variation 2436813 (VCV002436813.7), dbSNP rs759339742, ClinGen allele CA7219958.

ClinVar aggregate classification (germline): Uncertain significance. Review status: criteria provided, multiple submitters, no conflicts (2 of 4 stars). 3 submissions from 3 submitters: Uncertain significance (3). Last evaluated 2024-01-08.

Conditions:
Emery-Dreifuss muscular dystrophy 5, autosomal dominant (EDMD5). Also called: EMERY-DREIFUSS MUSCULAR DYSTROPHY 5. Identifiers: Orphanet 261, MedGen C2751805, MONDO:0013072, OMIM 612999.

Allele frequency attached by ClinVar (database versions not stated): ExAC 0.00001; gnomAD 0.00001.
gnomAD v4.1: 13 of 1,613,936 alleles (0.00081%); highest among the groups gnomAD compares: Non-Finnish European, 0.0011%; no homozygotes.

Submissions (3):

Labcorp Genetics (formerly Invitae), Labcorp
Classification: Uncertain significance for Emery-Dreifuss muscular dystrophy 5, autosomal dominant. Last evaluated: 2024-01-08. Review status: criteria provided, single submitter. Criteria: Invitae Variant Classification Sherloc (09022015). Collection method: clinical testing. Allele origin: germline.
Comment: This sequence change replaces serine, which is neutral and polar, with phenylalanine, which is neutral and non-polar, at codon 1139 of the SYNE2 protein (p.Ser1139Phe). This variant is present in population databases (rs759339742, gnomAD 0.003%). This variant has not been reported in the literature in individuals affected with SYNE2-related conditions. ClinVar contains an entry for this variant (Variation ID: 2436813). An algorithm developed to predict the effect of missense changes on protein structure and function (PolyPhen-2) suggests that this variant is likely to be disruptive. In summary, the available evidence is currently insufficient to determine the role of this variant in disease. Therefore, it has been classified as a Variant of Uncertain Significance.

Ambry Genetics
Classification: Uncertain significance. Last evaluated: 2023-10-10. Review status: criteria provided, single submitter. Criteria: Ambry Variant Classification Scheme 2023. Collection method: clinical testing. Allele origin: germline.

Revvity Omics, Revvity
Classification: Uncertain significance for Emery-Dreifuss muscular dystrophy 5, autosomal dominant. Last evaluated: 2019-08-08. Review status: criteria provided, single submitter. Criteria: ACMG Guidelines, 2015. Collection method: clinical testing. Allele origin: germline.